The following is an entry in ClinVar:

ClinVar aggregate classification (germline): Uncertain significance (1 of 4 stars; one submission).

Submission:

Labcorp Genetics (formerly Invitae), Labcorp
Classification: Uncertain significance. Last evaluated: 2024-12-02. Review status: criteria provided, single submitter. Criteria: Invitae Variant Classification Sherloc (09022015). Collection method: clinical testing. Allele origin: germline.
Comment: This sequence change replaces glycine, which is neutral and non-polar, with serine, which is neutral and polar, at codon 1799 of the GPR179 protein (p.Gly1799Ser). This variant is not present in population databases (gnomAD no frequency). This variant has not been reported in the literature in individuals affected with GPR179-related conditions. ClinVar contains an entry for this variant (Variation ID: 2069404). An algorithm developed to predict the effect of missense changes on protein structure and function (PolyPhen-2) suggests that this variant is likely to be tolerated. In summary, the available evidence is currently insufficient to determine the role of this variant in disease. Therefore, it has been classified as a Variant of Uncertain Significance.

NM_001004334.4(GPR179):c.5395G>A (p.Gly1799Ser)

Gene: GPR179 (G protein-coupled receptor 179; minus strand). Cytogenetic location: 17q12.
Variant type: single nucleotide variant.
Coding change: c.5395G>A on transcript NM_001004334.4 (MANE Select); coding-DNA position 5395, G replaced by A.
Protein change: p.Gly1799Ser; replaces glycine 1799 with serine.
Molecular consequence: missense variant.
Genome position (GRCh38, 1-based): chr17:38,328,174, C>T on the plus strand (G>A on the coding strand, the complement: GPR179 is on the minus strand). VCF-style: chr17-38328174-C-T. GRCh37 (hg19) VCF-style: chr17-36484057-C-T.
Other names: short protein forms G1799S.
Identifiers: ClinVar variation 2069404 (VCV002069404.3), dbSNP rs749247135, ClinGen allele CA398872110.
Genomic context (GRCh38, chr17:38,328,174, plus strand): 5'-GACAGATCTTGGCTTTTTCACTGGTAGCAGCTTCCTGTGCTTCCCAGGGACACACTTCAC[C>T]TGGCCTGCAGCCCATATGATCCAGTTCCTGGAACCCAGCTTTTGGTCCATCAGCATCTAG-3'
Protein context (NP_001004334.3, residues 1789-1809): QELDHMGCRP[Gly1799Ser]EVCPWEAQEA